The following is an entry in ClinVar:

ClinVar aggregate classification (germline): Pathogenic (1 of 4 stars; one submission).

Conditions:
Hereditary spastic paraplegia 39 (SPG39). Also called: Spastic Paraplegia Type 39 (SPG39); SPASTIC PARAPLEGIA 39, AUTOSOMAL RECESSIVE. Identifiers: Orphanet 139480, MedGen C2677586, MONDO:0012787, OMIM 612020.

Submission:

Labcorp Genetics (formerly Invitae), Labcorp
Classification: Pathogenic for Hereditary spastic paraplegia 39. Last evaluated: 2024-10-21. Review status: criteria provided, single submitter. Criteria: Invitae Variant Classification Sherloc (09022015). Collection method: clinical testing. Allele origin: germline.
Comment: This sequence change creates a premature translational stop signal (p.Cys523Profs*43) in the PNPLA6 gene. It is expected to result in an absent or disrupted protein product. Loss-of-function variants in PNPLA6 are known to be pathogenic (PMID: 24355708). This variant is not present in population databases (gnomAD no frequency). This variant has not been reported in the literature in individuals affected with PNPLA6-related conditions. For these reasons, this variant has been classified as Pathogenic.

Literature cited by the submitters: PubMed 24355708.

NM_001166114.2(PNPLA6):c.1684_1685del (p.Cys562fs)

Gene: PNPLA6 (patatin like domain 6, lysophospholipase; plus strand). Cytogenetic location: 19p13.2.
Variant type: Microsatellite.
Coding change: c.1684_1685del on transcript NM_001166114.2 (MANE Select); coding-DNA positions 1684 to 1685, 2 bases deleted (TG; older notation c.1684_1685delTG).
Protein change: p.Cys562fs; shifts the reading frame from cysteine 562.
Molecular consequence: frameshift variant.
Genome position (GRCh38, 1-based): chr19:7,549,982-7,549,983, TG deleted; deleting any 2 consecutive bases within chr19:7,549,979-7,549,983 gives the same sequence; the c. name uses the placement nearest the transcript's 3' end. VCF-style (leftmost placement, unchanged base first): chr19-7549978-CGT-C. GRCh37 (hg19) VCF-style: chr19-7614864-CGT-C.
Other names: c.1711_1712del, p.Cys571fs (NM_001166111.2); c.1489_1490del, p.Cys497fs (NM_001166112.2); c.1567_1568del, p.Cys523fs (NM_001166113.1, NM_006702.5); short protein forms C523fs, C497fs, C562fs, C571fs.
Identifiers: ClinVar variation 1383806 (VCV001383806.6), dbSNP rs1395700335, ClinGen allele CA884234065.